The following is an entry in ClinVar:

NM_013296.5(GPSM2):c.485del (p.Pro162fs)

Gene: GPSM2 (G protein signaling modulator 2; plus strand). Cytogenetic location: 1p13.3.
Variant type: Deletion.
Coding change: c.485del on transcript NM_013296.5 (MANE Select); coding-DNA position 485, one base deleted (C; older notation c.485delC).
Protein change: p.Pro162fs; shifts the reading frame from proline 162.
Molecular consequence: frameshift variant.
Genome position (GRCh38, 1-based): chr1:108,898,029, C deleted; the last of 3 consecutive C bases (chr1:108,898,027-108,898,029); deleting any one gives the same sequence. VCF-style (leftmost placement, unchanged base first): chr1-108898026-GC-G. GRCh37 (hg19) VCF-style: chr1-109440648-GC-G.
Other names: c.485del, p.Pro162fs (NM_001321038.2, NM_001321039.3); c.485delC (NM_013296.4); short protein forms P162fs.
Identifiers: ClinVar variation 500059 (VCV000500059.12), dbSNP rs766556930, ClinGen allele CA982810.

ClinVar aggregate classification (germline): Pathogenic. Review status: criteria provided, multiple submitters, no conflicts (2 of 4 stars). 3 submissions from 3 submitters: Pathogenic (3). Last evaluated 2025-06-14.

Conditions:
Inborn genetic diseases. Identifiers: MedGen C0950123, MeSH D030342.

Submissions (3):

GeneDx
Classification: Pathogenic. Last evaluated: 2025-06-14. Review status: criteria provided, single submitter. Criteria: GeneDx Variant Classification Process June 2021. Collection method: clinical testing. Allele origin: germline. Affected: yes.
Comment: Frameshift variant predicted to result in protein truncation or nonsense mediated decay in a gene for which loss of function is a known mechanism of disease; Not observed at significant frequency in large population cohorts (gnomAD); Has not been previously published as pathogenic or benign to our knowledge

Ambry Genetics
Classification: Pathogenic for Inborn genetic diseases. Last evaluated: 2022-06-08. Review status: criteria provided, single submitter. Criteria: Ambry Variant Classification Scheme 2023. Collection method: clinical testing. Allele origin: germline.
Comment: The c.485delC (p.P162Lfs*6) alteration, located in exon 5 (coding exon 4) of the GPSM2 gene, consists of a deletion of one nucleotide at position 485, causing a translational frameshift with a predicted alternate stop codon after 6 amino acids. This alteration is expected to result in loss of function by premature protein truncation or nonsense-mediated mRNA decay. Based on data from gnomAD, this alteration has an overall frequency of <0.01% (3/282846) total alleles studied. The highest observed frequency was <0.01% (3/129146) of European (non-Finnish) alleles. Based on the available evidence, this alteration is classified as pathogenic.

Eurofins Ntd Llc (ga)
Classification: Pathogenic. Last evaluated: 2017-02-15. Review status: criteria provided, single submitter. Criteria: EGL Classification Definitions 2015. Collection method: clinical testing. Allele origin: germline. Observed: 1 variant allele, 1 heterozygote.